The following is an entry in ClinVar:

ClinVar aggregate classification (germline): Uncertain significance (1 of 4 stars; one submission).

Conditions:
Norman-Roberts syndrome (LIS2). Also called: Lissencephaly 2 (Norman-Roberts type). Identifiers: Orphanet 89844, MedGen C0796089, MONDO:0009760, OMIM 257320.
Familial temporal lobe epilepsy 7. Identifiers: Orphanet 101046, MedGen C4225327, MONDO:0014639, OMIM 616436.

Submission:

Labcorp Genetics (formerly Invitae), Labcorp
Classification: Uncertain significance for Familial temporal lobe epilepsy 7; Norman-Roberts syndrome. Last evaluated: 2018-05-10. Review status: criteria provided, single submitter. Criteria: Invitae Variant Classification Sherloc (09022015). Collection method: clinical testing. Allele origin: germline.
Comment: In summary, the available evidence is currently insufficient to determine the role of this variant in disease. Therefore, it has been classified as a Variant of Uncertain Significance. Nucleotide substitutions within the consensus splice site are a relatively common cause of aberrant splicing (PMID: 17576681, 9536098). Algorithms developed to predict the effect of sequence changes on RNA splicing suggest that this variant is not likely to affect RNA splicing, but this prediction has not been confirmed by published transcriptional studies. This variant has not been reported in the literature in individuals with RELN-related disease. This variant is not present in population databases (ExAC no frequency). This sequence change falls in intron 5 of the RELN gene. It does not directly change the encoded amino acid sequence of the RELN protein, but it affects a nucleotide within the consensus splice site of the intron.

Literature cited by the submitters: PubMed 17576681; PubMed 9536098.

NM_005045.4(RELN):c.578-3del

Gene: RELN (reelin; minus strand). Cytogenetic location: 7q22.1.
Variant type: Deletion.
Coding change: c.578-3del on transcript NM_005045.4 (MANE Select); 3 bases into the intron before coding-DNA position 578, one base deleted (T; older notation c.578-3delT).
Molecular consequence: intron variant.
Genome position (GRCh38, 1-based): chr7:103,749,507, A deleted on the plus strand (T on the coding strand, the reverse complement: RELN is on the minus strand); the first of 4 consecutive A bases (chr7:103,749,507-103,749,510); deleting any one gives the same sequence. VCF-style (leftmost placement, unchanged base first): chr7-103749506-TA-T. GRCh37 (hg19) VCF-style: chr7-103389953-TA-T.
Other names: c.578-3del (NM_173054.3); c.578-3delT (NM_005045.3).
Identifiers: ClinVar variation 581734 (VCV000581734.8), dbSNP rs1047136329, ClinGen allele CA163903208.
Genomic context (GRCh38, chr7:103,749,506, plus strand): 5'-CAGTTGGTGGTAGGAGTCAAAGTCATCTCTCAGGATAATGCTGTCACTATGTATTTCAGC[TA>T]AAAGAAAAAGGAAGTATTTAGGAAAGAAATATACTACAACAGTACATTTAGCTAAACACA-3'